The following is an entry in ClinVar:

ClinVar aggregate classification (germline): Benign/Likely benign. Review status: criteria provided, multiple submitters, no conflicts (2 of 4 stars). 6 submissions from 6 submitters: Benign (5); Likely benign (1). Last evaluated 2026-02-03.

Conditions:
Cone-rod dystrophy and hearing loss 1 (CRDHL1). Identifiers: MedGen C5193018, MONDO:0020778, OMIM 617236.

Allele frequency attached by ClinVar (database versions not stated): gnomAD exomes 0.00216; ExAC 0.00251; 1000 Genomes Project 30x 0.00796; 1000 Genomes Project 0.00799; ESP Exome Variant Server 0.00875; gnomAD 0.00893 and 0.00964; TOPMed 0.00917.
gnomAD v4.1: 2,659 of 1,555,972 alleles (0.17%); highest among the groups gnomAD compares: African/African-American, 3%; 31 homozygotes.

Submissions (6):

Labcorp Genetics (formerly Invitae), Labcorp
Classification: Benign. Last evaluated: 2026-02-03. Review status: criteria provided, single submitter. Criteria: Invitae Variant Classification Sherloc (09022015). Collection method: clinical testing. Allele origin: germline.

Genomic Medicine Center of Excellence, King Faisal Specialist Hospital and Research Centre
Classification: Likely benign. Last evaluated: 2025-08-18. Review status: criteria provided, single submitter. Criteria: ACMG Guidelines, 2015. Collection method: clinical testing. Allele origin: germline.

Mayo Clinic Laboratories, Mayo Clinic
Classification: Benign. Last evaluated: 2024-11-06. Review status: criteria provided, single submitter. Criteria: ACMG Guidelines, 2015. Collection method: clinical testing. Allele origin: germline. Observed: 2 variant alleles.
Comment: BA1, BP4

Fulgent Genetics
Classification: Benign for Cone-rod dystrophy and hearing loss 1. Last evaluated: 2022-01-03. Review status: criteria provided, single submitter. Criteria: ACMG Guidelines, 2015. Collection method: clinical testing. Allele origin: unknown.

Laboratory for Molecular Medicine, Mass General Brigham Personalized Medicine
Classification: Benign. Last evaluated: 2017-08-23. Review status: criteria provided, single submitter. Criteria: LMM Criteria. Collection method: clinical testing. Allele origin: germline. Observed: 1 variant allele.
Comment: p.Glu319Gln in exon 7 of CEP78: This variant is not expected to have clinical si gnificance because it has been identified in 2.84% (263/9252) of African chromos omes by the Exome Aggregation Consortium (ExAC; dbSNP rs61730338).

Breakthrough Genomics
Classification: Benign. Review status: criteria provided, single submitter. Criteria: ACMG Guidelines, 2015. Collection method: not provided. Allele origin: germline. Inheritance: Autosomal recessive inheritance. Affected: yes.

NM_001330691.3(CEP78):c.955G>C (p.Glu319Gln)

Gene: CEP78 (centrosomal protein 78; plus strand). Cytogenetic location: 9q21.2.
Variant type: single nucleotide variant.
Coding change: c.955G>C on transcript NM_001330691.3 (MANE Select); coding-DNA position 955, G replaced by C.
Protein change: p.Glu319Gln; replaces glutamic acid 319 with glutamine.
Molecular consequence: missense variant.
Genome position (GRCh38, 1-based): chr9:78,248,353, G>C. VCF-style: chr9-78248353-G-C. GRCh37 (hg19) VCF-style: chr9-80863269-G-C.
Other names: c.955G>C, p.Glu319Gln (NM_001098802.3, NM_001330693.3, NM_001330694.2 and 4 more transcripts); short protein forms E319Q.
Identifiers: ClinVar variation 517540 (VCV000517540.18), dbSNP rs61730338, ClinGen allele CA5095086.